The following is an entry in ClinVar:

NM_006206.6(PDGFRA):c.764G>C (p.Gly255Ala)

Gene: PDGFRA (platelet derived growth factor receptor alpha; plus strand). Cytogenetic location: 4q12.
Variant type: single nucleotide variant.
Coding change: c.764G>C on transcript NM_006206.6 (MANE Select); coding-DNA position 764, G replaced by C.
Protein change: p.Gly255Ala; replaces glycine 255 with alanine.
Molecular consequence: missense variant.
Genome position (GRCh38, 1-based): chr4:54,267,293, G>C. VCF-style: chr4-54267293-G-C. GRCh37 (hg19) VCF-style: chr4-55133460-G-C.
Other names: c.764G>C, p.Gly255Ala (NM_001347827.2, NM_001347829.2); c.839G>C, p.Gly280Ala (NM_001347828.2); c.803G>C, p.Gly268Ala (NM_001347830.2); short protein forms G255A, G268A, G280A.
Identifiers: ClinVar variation 2987524 (VCV002987524.3), dbSNP rs2110264376, ClinGen allele CA356891060.

ClinVar aggregate classification (germline): Uncertain significance. Review status: criteria provided, multiple submitters, no conflicts (2 of 4 stars). 2 submissions from 2 submitters: Uncertain significance (2). Last evaluated 2025-04-17.

Conditions:
Hereditary cancer-predisposing syndrome. Also called: Neoplastic Syndromes, Hereditary; Hereditary neoplastic syndrome; Tumor predisposition; Hereditary Cancer Syndrome. Identifiers: Orphanet 140162, MedGen C0027672, MeSH D009386, MONDO:0015356.
Gastrointestinal stromal tumor. Also called: Gastrointestinal stromal tumor, somatic; Gastrointestinal stroma tumor. Identifiers: Orphanet 44890, MedGen C0238198, MeSH D046152, MONDO:0011719, OMIM 606764, HP:0100723.

Allele frequency attached by ClinVar (database versions not stated): gnomAD exomes below 0.00001.
gnomAD v4.1: 1 of 1,614,098 alleles (0.000062%); highest among the groups gnomAD compares: Non-Finnish European, 0.000085%; no homozygotes.

Submissions (2):

Ambry Genetics
Classification: Uncertain significance for Hereditary cancer-predisposing syndrome. Last evaluated: 2025-04-17. Review status: criteria provided, single submitter. Criteria: Ambry Variant Classification Scheme 2023. Collection method: clinical testing. Allele origin: germline.
Comment: The p.G255A variant (also known as c.764G>C), located in coding exon 5 of the PDGFRA gene, results from a G to C substitution at nucleotide position 764. The glycine at codon 255 is replaced by alanine, an amino acid with similar properties. This amino acid position is conserved. In addition, this alteration is predicted to be tolerated by in silico analysis. Based on the available evidence, the clinical significance of this variant remains unclear.

Labcorp Genetics (formerly Invitae), Labcorp
Classification: Uncertain significance for Gastrointestinal stromal tumor. Last evaluated: 2023-03-29. Review status: criteria provided, single submitter. Criteria: Invitae Variant Classification Sherloc (09022015). Collection method: clinical testing. Allele origin: germline.
Comment: In summary, the available evidence is currently insufficient to determine the role of this variant in disease. Therefore, it has been classified as a Variant of Uncertain Significance. Advanced modeling of protein sequence and biophysical properties (such as structural, functional, and spatial information, amino acid conservation, physicochemical variation, residue mobility, and thermodynamic stability) performed at Invitae indicates that this missense variant is not expected to disrupt PDGFRA protein function. This sequence change replaces glycine, which is neutral and non-polar, with alanine, which is neutral and non-polar, at codon 255 of the PDGFRA protein (p.Gly255Ala). This variant is not present in population databases (gnomAD no frequency). This variant has not been reported in the literature in individuals affected with PDGFRA-related conditions.